The following is an entry in ClinVar:

NM_001369.3(DNAH5):c.1355del (p.Lys452fs)

Gene: DNAH5 (dynein axonemal heavy chain 5; minus strand). Cytogenetic location: 5p15.2.
Variant type: Deletion.
Coding change: c.1355del on transcript NM_001369.3 (MANE Select); coding-DNA position 1355, one base deleted (A; older notation c.1355delA).
Protein change: p.Lys452fs; shifts the reading frame from lysine 452.
Molecular consequence: frameshift variant.
Genome position (GRCh38, 1-based): chr5:13,913,924, T deleted on the plus strand (A on the coding strand, the reverse complement: DNAH5 is on the minus strand); the first of 4 consecutive T bases (chr5:13,913,924-13,913,927); deleting any one gives the same sequence. VCF-style (leftmost placement, unchanged base first): chr5-13913923-CT-C. GRCh37 (hg19) VCF-style: chr5-13914032-CT-C.
Other names: short protein forms K452fs.
Identifiers: ClinVar variation 2764271 (VCV002764271.4), dbSNP rs2547127583, ClinGen allele CA2697547046.
Genomic context (GRCh38, chr5:13,913,923, plus strand): 5'-TTTTCCAAAAATATACATCTCGCTAAAATCAAATTGTTTTGCATTTGGATTTTGTTTAAG[CT>C]TTTGTTTTGTCTTGTGAAAGCAGAGCTGGTATTCCTTAAAATCAAAAGAAAAATATACAA-3'

ClinVar aggregate classification (germline): Pathogenic. Review status: criteria provided, multiple submitters, no conflicts (2 of 4 stars). 2 submissions from 2 submitters: Pathogenic (2). Last evaluated 2023-09-29.

Conditions:
Primary ciliary dyskinesia. Also called: Ciliary dyskinesia. Identifiers: Orphanet 244, MedGen C0008780, MONDO:0016575, HP:0012265.
Primary ciliary dyskinesia 3. Identifiers: Orphanet 244, MedGen C1837618, MONDO:0012085, OMIM 608644.

Submissions (2):

Labcorp Genetics (formerly Invitae), Labcorp
Classification: Pathogenic for Primary ciliary dyskinesia. Last evaluated: 2023-09-29. Review status: criteria provided, single submitter. Criteria: Invitae Variant Classification Sherloc (09022015). Collection method: clinical testing. Allele origin: germline.
Comment: This variant is not present in population databases (gnomAD no frequency). For these reasons, this variant has been classified as Pathogenic. This variant has not been reported in the literature in individuals affected with DNAH5-related conditions. This sequence change creates a premature translational stop signal (p.Lys452Serfs*32) in the DNAH5 gene. It is expected to result in an absent or disrupted protein product. Loss-of-function variants in DNAH5 are known to be pathogenic (PMID: 11788826, 16627867).

Myriad Genetics, Inc.
Classification: Pathogenic for Primary ciliary dyskinesia 3. Last evaluated: 2023-08-07. Review status: criteria provided, single submitter. Criteria: Myriad Autosomal Dominant, Autosomal Recessive and X-Linked Classification Criteria (2023). Collection method: clinical testing. Allele origin: unknown.
Comment: NM_001369.2(DNAH5):c.1355delA(K452Sfs*32) is expected to be pathogenic in the context of primary ciliary dyskinesia, DNAH5-related. This variant is predicted to lead to an abnormal or absent protein product due to the creation of a premature termination codon in DNAH5, a gene where loss-of-function variants are known to be pathogenic. Please note: this variant was assessed in the context of healthy population screening.

Literature cited by the submitters: PubMed 11788826 (cited by Labcorp Genetics (formerly Invitae), Labcorp); PubMed 16627867 (cited by Labcorp Genetics (formerly Invitae), Labcorp).